The following is an entry in ClinVar:

NM_000481.4(AMT):c.1033+2T>C

Gene: AMT (aminomethyltransferase; minus strand). Cytogenetic location: 3p21.31.
Variant type: single nucleotide variant.
Coding change: c.1033+2T>C on transcript NM_000481.4 (MANE Select); the canonical splice donor site of the intron after coding-DNA position 1033, T replaced by C.
Molecular consequence: splice donor variant.
Genome position (GRCh38, 1-based): chr3:49,417,816, A>G on the plus strand (T>C on the coding strand, the complement: AMT is on the minus strand). VCF-style: chr3-49417816-A-G. GRCh37 (hg19) VCF-style: chr3-49455249-A-G.
Other names: c.865+2T>C (NM_001164711.2); c.901+2T>C (NM_001164710.2); c.1033+2T>C (NM_001164712.2).
Identifiers: ClinVar variation 551739 (VCV000551739.9), dbSNP rs1553638247, ClinGen allele CA352789268.
Genomic context (GRCh38, chr3:49,417,816, plus strand): 5'-TGCCAGTGCCCCCACCCTCCTGGGAAGAGACAAGGGTTTCCCAGCTTCCCTGGTCCACCT[A>G]CCAATCTTGGTACCCTCCATGTTCAGGATGGGACTGTGTGCCCGCATGGGGGCCCCCTCA-3'

ClinVar aggregate classification (germline): Pathogenic. Review status: criteria provided, single submitter (1 of 4 stars). 2 submissions from 2 submitters: Pathogenic (1). 1 of the submissions does not count toward it. Last evaluated 2023-02-21.

Conditions:
Glycine encephalopathy 1 (GCE1). Identifiers: MedGen CN376801, MONDO:0958179, OMIM 605899.
Glycine encephalopathy. Also called: Non-ketotic hyperglycinemia; Nonketotic hyperglycinemia. Identifiers: Orphanet 407, MedGen C0751748, MONDO:0011612, HP:0008288.

Submissions (2):

Labcorp Genetics (formerly Invitae), Labcorp
Classification: Pathogenic for Glycine encephalopathy. Last evaluated: 2023-02-21. Review status: criteria provided, single submitter. Criteria: Invitae Variant Classification Sherloc (09022015). Collection method: clinical testing. Allele origin: germline.
Comment: For these reasons, this variant has been classified as Pathogenic. Variants that disrupt the consensus splice site are a relatively common cause of aberrant splicing (PMID: 17576681, 9536098). Algorithms developed to predict the effect of sequence changes on RNA splicing suggest that this variant may disrupt the consensus splice site. ClinVar contains an entry for this variant (Variation ID: 551739). This variant is also known as c.1034+2T>C. Disruption of this splice site has been observed in individual(s) with glycine encephalopathy (PMID: 27362913). In at least one individual the data is consistent with being in trans (on the opposite chromosome) from a pathogenic variant. This variant is not present in population databases (gnomAD no frequency). This sequence change affects a donor splice site in intron 8 of the AMT gene. While this variant is not anticipated to result in nonsense mediated decay, it likely alters RNA splicing and results in a disrupted protein product.

Counsyl
Classification: Pathogenic for Glycine encephalopathy 1. Last evaluated: 2017-05-05. Review status: no assertion criteria provided. Collection method: clinical testing. Allele origin: unknown. Not counted in ClinVar's aggregate classification.

Literature cited by the submitters: PubMed 17576681 (cited by Labcorp Genetics (formerly Invitae), Labcorp); PubMed 9536098 (cited by Labcorp Genetics (formerly Invitae), Labcorp); PubMed 27362913 (cited by Labcorp Genetics (formerly Invitae), Labcorp and Counsyl).